The following is an entry in ClinVar:

NM_024757.5(EHMT1):c.2465T>G (p.Val822Gly)

Gene: EHMT1 (euchromatic histone lysine methyltransferase 1; plus strand). Cytogenetic location: 9q34.3.
Variant type: single nucleotide variant.
Coding change: c.2465T>G on transcript NM_024757.5 (MANE Select); coding-DNA position 2465, T replaced by G.
Protein change: p.Val822Gly; replaces valine 822 with glycine.
Molecular consequence: missense variant.
Genome position (GRCh38, 1-based): chr9:137,790,930, T>G. VCF-style: chr9-137790930-T-G. GRCh37 (hg19) VCF-style: chr9-140685382-T-G.
Other names: c.2372T>G, p.Val791Gly (NM_001354259.2); c.2444T>G, p.Val815Gly (NM_001354263.2); short protein forms V791G, V815G, V822G.
Identifiers: ClinVar variation 3236894 (VCV003236894.1).

ClinVar aggregate classification (germline): Pathogenic (1 of 4 stars; one submission).

Conditions:
Kleefstra syndrome 1 (KLEFS1). Identifiers: Orphanet 261494, MedGen C0795833, MONDO:0027407, OMIM 610253.

Submission:

Laboratory of Genetics, Children's Clinical University Hospital Latvia
Classification: Pathogenic for Kleefstra syndrome 1. Review status: criteria provided, single submitter. Criteria: ACMG Guidelines, 2015. Collection method: curation. Allele origin: inherited. Affected: yes.

Literature cited by the submitters: PubMed 39013458.